The following is an entry in ClinVar:

ClinVar aggregate classification (germline): Likely benign (1 of 4 stars; one submission).

Allele frequency attached by ClinVar (database versions not stated): 1000 Genomes Project 0.00180; 1000 Genomes Project 30x 0.00203; TOPMed 0.00295; gnomAD 0.00319.
gnomAD v4.1: 479 of 152,214 alleles (0.31%); highest among the groups gnomAD compares: Non-Finnish European, 0.55%; 1 homozygote.

Submission:

CeGaT Center for Human Genetics Tuebingen
Classification: Likely benign. Last evaluated: 2025-06-01. Review status: criteria provided, single submitter. Criteria: CeGaT Center For Human Genetics Tuebingen Variant Classification Criteria Version 2. Collection method: clinical testing. Allele origin: germline. Affected: yes. Observed: 2 variant alleles.
Comment: ETV6: BS1

NM_001987.5(ETV6):c.1010-3300C>T

Gene: ETV6 (ETS variant transcription factor 6; plus strand). Cytogenetic location: 12p13.2.
Variant type: single nucleotide variant.
Coding change: c.1010-3300C>T on transcript NM_001987.5 (MANE Select); 3300 bases into the intron before coding-DNA position 1010, C replaced by T.
Molecular consequence: intron variant.
Genome position (GRCh38, 1-based): chr12:11,881,145, C>T. VCF-style: chr12-11881145-C-T. GRCh37 (hg19) VCF-style: chr12-12034079-C-T.
Other names: c.983-3300C>T (NM_001413914.1); c.1010-9796C>T (NM_001413917.1); c.1007-3300C>T (NM_001413913.1); c.746-3300C>T (NM_001413915.1).
Identifiers: ClinVar variation 2642731 (VCV002642731.24), dbSNP rs181251613, ClinGen allele CA232616685.